The following is an entry in ClinVar:

ClinVar aggregate classification (germline): Uncertain significance (1 of 4 stars; one submission).

Submission:

Labcorp Genetics (formerly Invitae), Labcorp
Classification: Uncertain significance. Last evaluated: 2022-07-21. Review status: criteria provided, single submitter. Criteria: Invitae Variant Classification Sherloc (09022015). Collection method: clinical testing. Allele origin: germline.
Comment: This sequence change replaces proline, which is neutral and non-polar, with leucine, which is neutral and non-polar, at codon 938 of the TRAPPC9 protein (p.Pro938Leu). This variant is not present in population databases (gnomAD no frequency). This variant has not been reported in the literature in individuals affected with TRAPPC9-related conditions. Algorithms developed to predict the effect of missense changes on protein structure and function are either unavailable or do not agree on the potential impact of this missense change (SIFT: "Not Available"; PolyPhen-2: "Benign"; Align-GVGD: "Not Available"). In summary, the available evidence is currently insufficient to determine the role of this variant in disease. Therefore, it has been classified as a Variant of Uncertain Significance.

NM_001160372.4(TRAPPC9):c.2519C>T (p.Pro840Leu)

Gene: TRAPPC9 (trafficking protein particle complex subunit 9; minus strand). Cytogenetic location: 8q24.3.
Variant type: single nucleotide variant.
Coding change: c.2519C>T on transcript NM_001160372.4 (MANE Select); coding-DNA position 2519, C replaced by T.
Protein change: p.Pro840Leu; replaces proline 840 with leucine.
Molecular consequence: missense variant. On other transcripts: non-coding transcript variant (1).
Genome position (GRCh38, 1-based): chr8:140,221,496, G>A on the plus strand (C>T on the coding strand, the complement: TRAPPC9 is on the minus strand). VCF-style: chr8-140221496-G-A. GRCh37 (hg19) VCF-style: chr8-141231595-G-A.
Other names: c.2492C>T, p.Pro831Leu (NM_001321646.2); c.2540C>T, p.Pro847Leu (NM_001374682.1); c.2519C>T, p.Pro840Leu (NM_001374683.1, NM_031466.8); c.2375C>T, p.Pro792Leu (NM_001374684.1); short protein forms P840L, P792L, P831L, P847L.
Identifiers: ClinVar variation 1915604 (VCV001915604.5), dbSNP rs2538961481, ClinGen allele CA372735935.